The following is an entry in ClinVar:

NM_000077.5(CDKN2A):c.160A>T (p.Met54Leu)

Gene: CDKN2A (cyclin dependent kinase inhibitor 2A; minus strand). Cytogenetic location: 9p21.3.
Variant type: single nucleotide variant.
Coding change: c.160A>T on transcript NM_000077.5; coding-DNA position 160, A replaced by T.
Protein change: p.Met54Leu; replaces methionine 54 with leucine.
Molecular consequence: missense variant (on NM_000077.6). On other transcripts: 3 prime UTR variant (1).
Genome position (GRCh38, 1-based): chr9:21,971,199, T>A on the plus strand (A>T on the coding strand, the complement: CDKN2A is on the minus strand). VCF-style: chr9-21971199-T-A. GRCh37 (hg19) VCF-style: chr9-21971198-T-A.
Other names: c.160A>T, p.Met54Leu (NM_000077.6, NM_001195132.2); c.7A>T, p.Met3Leu (NM_001363763.2); c.203A>T, p.Asp68Val (NM_058195.4); c.*83A>T (NM_058197.5); short protein forms D68V, M3L, M54L.
Identifiers: ClinVar variation 1483043 (VCV001483043.13), dbSNP rs201314211, ClinGen allele CA190730400.

ClinVar aggregate classification (germline): Uncertain significance. Review status: criteria provided, multiple submitters, no conflicts (2 of 4 stars). 4 submissions from 4 submitters: Uncertain significance (4). Last evaluated 2025-06-11.

Conditions:
Familial melanoma. Also called: Hereditary melanoma; Hereditary cutaneous melanoma. Identifiers: Orphanet 618, MedGen C1512419, MONDO:0018961.
Hereditary cancer-predisposing syndrome. Also called: Tumor predisposition; Hereditary neoplastic syndrome; Hereditary Cancer Syndrome; Neoplastic Syndromes, Hereditary. Identifiers: Orphanet 140162, MedGen C0027672, MeSH D009386, MONDO:0015356.

gnomAD v4.1: 2 of 1,597,750 alleles (0.00013%); highest among the groups gnomAD compares: Non-Finnish European, 0.00017%; no homozygotes.

Submissions (4):

Ambry Genetics
Classification: Uncertain significance for Hereditary cancer-predisposing syndrome. Last evaluated: 2025-06-11. Review status: criteria provided, single submitter. Criteria: Ambry Variant Classification Scheme 2023. Collection method: clinical testing. Allele origin: germline.
Comment: The p.M54L variant (also known as c.160A>T), located in coding exon 2 of the CDKN2A gene, results from an A to T substitution at nucleotide position 160. The methionine at codon 54 is replaced by leucine, an amino acid with highly similar properties. Of note, this variant is also known as p.D68V (c.203A>T) in the p14(ARF) isoform. This amino acid position is well conserved in available vertebrate species. In addition, the in silico prediction for this alteration is inconclusive. Based on the available evidence, the clinical significance of this variant remains unclear.

Color Diagnostics, LLC DBA Color Health
Classification: Uncertain significance for Hereditary cancer-predisposing syndrome. Last evaluated: 2025-03-24. Review status: criteria provided, single submitter. Criteria: ACMG Guidelines, 2015. Collection method: clinical testing. Allele origin: germline.
Comment: The CDKN2A locus encodes two different gene products, p16INK4a and p14ARF. This missense variant replaces aspartic acid with valine at codon 68 of the CDKN2A (p16INK4A) protein. Computational prediction suggests that this variant may not impact protein structure and function. To our knowledge, functional studies have not been reported for this variant. This variant has not been reported in individuals affected with CDKN2A-related disorders in the literature. This variant has not been identified in the general population by the Genome Aggregation Database (gnomAD). The available evidence is insufficient to determine the role of this variant in disease conclusively. Therefore, this variant is classified as a Variant of Uncertain Significance.

GeneDx
Classification: Uncertain significance. Last evaluated: 2024-03-08. Review status: criteria provided, single submitter. Criteria: GeneDx Variant Classification Process June 2021. Collection method: clinical testing. Allele origin: germline. Affected: yes.
Comment: Not observed at significant frequency in large population cohorts (gnomAD); In silico analysis supports that this missense variant does not alter protein structure/function; Has not been previously published as pathogenic or benign to our knowledge

Labcorp Genetics (formerly Invitae), Labcorp
Classification: Uncertain significance for Familial melanoma. Last evaluated: 2021-09-09. Review status: criteria provided, single submitter. Criteria: Invitae Variant Classification Sherloc (09022015). Collection method: clinical testing. Allele origin: germline.
Comment: This variant has not been reported in the literature in individuals with CDKN2A-related conditions. The CDKN2A gene encodes two different proteins, p16INK4a and p14ARF, which are translated from alternative transcripts that have different open reading frames. This sequence change replaces methionine with leucine at codon 54 of the CDKN2A (p16INK4a) protein (p.Met54Leu). The methionine residue is highly conserved and there is a small physicochemical difference between methionine and leucine. Alternatively, this sequence change replaces aspartic acid with valine at codon 68 of the CDKN2A (p14ARF) protein (p.Asp68Val). The aspartic acid residue is highly conserved and there is a large physicochemical difference between aspartic acid and valine. This variant is not present in population databases (ExAC no frequency). Algorithms developed to predict the effect of missense changes on protein structure and function (SIFT, PolyPhen-2, Align-GVGD) all suggest that p.Met54Leu in p16INK4a is likely to be tolerated. These same algorithms are either unavailable or do not agree on the potential impact of p.Asp68Val in p14ARF (SIFT: "Deleterious"; PolyPhen-2: "Benign"; Align-GVGD: "Class C65"). These predictions have not been confirmed by published functional studies and their clinical significance is uncertain. In summary, the available evidence is currently insufficient to determine the role of this variant in disease. Therefore, it has been classified as a Variant of Uncertain Significance.